The following is an entry in ClinVar:

NM_001042492.3(NF1):c.5951del (p.Asn1984fs)

Gene: NF1 (neurofibromin 1; plus strand). Cytogenetic location: 17q11.2.
Variant type: Deletion.
Coding change: c.5951del on transcript NM_001042492.3 (MANE Select); coding-DNA position 5951, one base deleted (A; older notation c.5951delA).
Protein change: p.Asn1984fs; shifts the reading frame from asparagine 1984.
Molecular consequence: frameshift variant.
Genome position (GRCh38, 1-based): chr17:31,334,976, A deleted; the last of 2 consecutive A bases (chr17:31,334,975-31,334,976); deleting either gives the same sequence. VCF-style (leftmost placement, unchanged base first): chr17-31334974-CA-C. GRCh37 (hg19) VCF-style: chr17-29661992-CA-C.
Other names: c.5888delA, p.Asn1963Metfs (NM_000267.3); c.5888del, p.Asn1963fs (NM_000267.4); short protein forms N1963fs, N1984fs.
Identifiers: ClinVar variation 5018337 (VCV005018337.1).
Genomic context (GRCh38, chr17:31,334,974, plus strand): 5'-TGATGATGCCAAACGACAAAGAGTTACTGCTATTCTTGACAAGCTGATAACAATGACCAT[CA>C]ATGAAAAACAGATGTACCCATCTATTCAAGCAAAAATATGGGGAAGCCTTGGGCAGGTAT-3'

ClinVar aggregate classification (germline): Pathogenic (1 of 4 stars; one submission).

Submission:

GeneDx
Classification: Pathogenic. Last evaluated: 2026-04-01. Review status: criteria provided, single submitter. Criteria: GeneDx Variant Classification Process June 2021. Collection method: clinical testing. Allele origin: germline.
Comment: Frameshift variant predicted to result in protein truncation or nonsense mediated decay in a gene for which loss of function is a known mechanism of disease; Not observed at significant frequency in large population cohorts (gnomAD); This variant is associated with the following publications: (PMID: 10607834)